The following is an entry in ClinVar:

ClinVar aggregate classification (germline): Uncertain significance (1 of 4 stars; one submission).

Submission:

Centre of Medical Genetics, University Hospital Muenster
Classification: Uncertain significance. Last evaluated: 2021-12-04. Review status: criteria provided, single submitter. Criteria: ACMG Guidelines, 2015. Collection method: clinical testing. Allele origin: unknown. Affected: yes. Observed: 1 variant allele, 1 heterozygote.
Comment: ACMG categories: PM1,PM2

NM_001256071.3(RNF213):c.13751T>C (p.Leu4584Pro)

Genes: RNF213 (ring finger protein 213; plus strand), RNF213-AS1 (RNF213 antisense RNA 1; minus strand). Cytogenetic location: 17q25.3.
Variant type: single nucleotide variant.
Coding change: c.13751T>C on transcript NM_001256071.3 (MANE Select); coding-DNA position 13751, T replaced by C.
Protein change: p.Leu4584Pro; replaces leucine 4584 with proline.
Molecular consequence: missense variant.
Genome position (GRCh38, 1-based): chr17:80,380,941, T>C. VCF-style: chr17-80380941-T-C. GRCh37 (hg19) VCF-style: chr17-78354741-T-C.
Other names: c.13898T>C, p.Leu4633Pro (NM_001410195.1, NM_020914.5); short protein forms L4584P, L4633P.
Identifiers: ClinVar variation 1708294 (VCV001708294.3), dbSNP rs2511543469, ClinGen allele CA401376685.